The following is an entry in ClinVar:

ClinVar aggregate classification (germline): Uncertain significance (1 of 4 stars; one submission).

Submission:

ARUP Laboratories, Molecular Genetics and Genomics, ARUP Laboratories
Classification: Uncertain significance. Last evaluated: 2022-08-12. Review status: criteria provided, single submitter. Criteria: ARUP Molecular Germline Variant Investigation Process 2021. Collection method: clinical testing. Allele origin: germline.
Comment: The F8 c.1457A>T; p.Asn486Ile variant, to our knowledge, is not reported in the medical literature or gene specific databases. This variant is also absent from the Genome Aggregation Database, indicating it is not a common polymorphism. The asparagine at codon 486 is highly conserved, and computational analyses predict that this variant is deleterious (REVEL: 0.937). Additionally, another variant at this codon (c.1457A>G; p.Asn486Ser) has been reported in individuals with moderate hemophilia A (see link to F8 database, Green 2008). However, given the lack of clinical and functional data, the significance of the p.Asn486Ile variant is uncertain at this time. References: Link to F8 database: Green PM et al. Haemophilia A mutations in the UK: results of screening one-third of the population. Br J Haematol. 2008 Oct;143(1):115-28. PMID: 18691168.

NM_000132.4(F8):c.1457A>T (p.Asn486Ile)

Gene: F8 (coagulation factor VIII; minus strand). Cytogenetic location: Xq28.
Variant type: single nucleotide variant.
Coding change: c.1457A>T on transcript NM_000132.4 (MANE Select); coding-DNA position 1457, A replaced by T.
Protein change: p.Asn486Ile; replaces asparagine 486 with isoleucine.
Molecular consequence: missense variant.
Genome position (GRCh38, 1-based): chrX:154,961,155, T>A on the plus strand (A>T on the coding strand, the complement: F8 is on the minus strand). VCF-style: chrX-154961155-T-A. GRCh37 (hg19) VCF-style: chrX-154189430-T-A.
Other names: short protein forms N486I.
Identifiers: ClinVar variation 2428719 (VCV002428719.3), dbSNP rs2523945712, ClinGen allele CA414912884.